The following is an entry in ClinVar:

ClinVar aggregate classification (germline): Uncertain significance (1 of 4 stars; one submission).

Submission:

Ambry Genetics
Classification: Uncertain significance. Last evaluated: 2023-06-09. Review status: criteria provided, single submitter. Criteria: Ambry Variant Classification Scheme 2023. Collection method: clinical testing. Allele origin: germline.
Comment: The p.E331Q variant (also known as c.991G>C), located in coding exon 3 of the ALPK2 gene, results from a G to C substitution at nucleotide position 991. The glutamic acid at codon 331 is replaced by glutamine, an amino acid with highly similar properties. This amino acid position is conserved. In addition, the in silico prediction for this alteration is inconclusive. Since supporting evidence is limited at this time, the clinical significance of this alteration remains unclear.

NM_052947.4(ALPK2):c.991G>C (p.Glu331Gln)

Genes: ALPK2 (alpha kinase 2; minus strand), LOC114803473 (ALPK2 eExon liver enhancer; plus strand). Cytogenetic location: 18q21.31.
Variant type: single nucleotide variant.
Coding change: c.991G>C on transcript NM_052947.4 (MANE Select); coding-DNA position 991, G replaced by C.
Protein change: p.Glu331Gln; replaces glutamic acid 331 with glutamine.
Molecular consequence: missense variant.
Genome position (GRCh38, 1-based): chr18:58,579,785, C>G on the plus strand (G>C on the coding strand, the complement: ALPK2 is on the minus strand). VCF-style: chr18-58579785-C-G. GRCh37 (hg19) VCF-style: chr18-56247017-C-G.
Other names: short protein forms E331Q.
Identifiers: ClinVar variation 2564120 (VCV002564120.2), dbSNP rs2518899594, ClinGen allele CA402565204.